The following is an entry in ClinVar:

NM_001365999.1(SZT2):c.8927C>G (p.Ser2976Cys)

Gene: SZT2 (SZT2 subunit of KICSTOR complex; plus strand). Cytogenetic location: 1p34.2.
Variant type: single nucleotide variant.
Coding change: c.8927C>G on transcript NM_001365999.1 (MANE Select); coding-DNA position 8927, C replaced by G.
Protein change: p.Ser2976Cys; replaces serine 2976 with cysteine.
Molecular consequence: missense variant.
Genome position (GRCh38, 1-based): chr1:43,446,189, C>G. VCF-style: chr1-43446189-C-G. GRCh37 (hg19) VCF-style: chr1-43911860-C-G.
Other names: c.8756C>G, p.Ser2919Cys (NM_015284.4); short protein forms S2919C, S2976C.
Identifiers: ClinVar variation 837981 (VCV000837981.8), dbSNP rs904301834, ClinGen allele CA21650845.

ClinVar aggregate classification (germline): Uncertain significance (1 of 4 stars; one submission).

Allele frequency attached by ClinVar (database versions not stated): gnomAD 0.00004; TOPMed 0.00004.
gnomAD v4.1: 8 of 1,614,086 alleles (0.0005%); highest among the groups gnomAD compares: African/African-American, 0.011%; no homozygotes.

Submission:

Labcorp Genetics (formerly Invitae), Labcorp
Classification: Uncertain significance. Last evaluated: 2024-08-19. Review status: criteria provided, single submitter. Criteria: Invitae Variant Classification Sherloc (09022015). Collection method: clinical testing. Allele origin: germline.
Comment: This sequence change replaces serine, which is neutral and polar, with cysteine, which is neutral and slightly polar, at codon 2919 of the SZT2 protein (p.Ser2919Cys). This variant is present in population databases (no rsID available, gnomAD 0.02%). This variant has not been reported in the literature in individuals affected with SZT2-related conditions. ClinVar contains an entry for this variant (Variation ID: 837981). Invitae Evidence Modeling of protein sequence and biophysical properties (such as structural, functional, and spatial information, amino acid conservation, physicochemical variation, residue mobility, and thermodynamic stability) indicates that this missense variant is not expected to disrupt SZT2 protein function with a negative predictive value of 80%. In summary, the available evidence is currently insufficient to determine the role of this variant in disease. Therefore, it has been classified as a Variant of Uncertain Significance.